The following is an entry in ClinVar:

ClinVar aggregate classification (germline): Uncertain significance (1 of 4 stars; one submission).

Submission:

Ambry Genetics
Classification: Uncertain significance. Last evaluated: 2025-05-02. Review status: criteria provided, single submitter. Criteria: Ambry Variant Classification Scheme 2023. Collection method: clinical testing. Allele origin: germline.
Comment: The p.P1804T variant (also known as c.5410C>A), located in coding exon 22 of the WNK2 gene, results from a C to A substitution at nucleotide position 5410. The proline at codon 1804 is replaced by threonine, an amino acid with highly similar properties. This amino acid position is conserved. In addition, this alteration is predicted to be tolerated by in silico analysis. Based on the available evidence, the clinical significance of this variant remains unclear.

NM_006648.4(WNK2):c.5410C>A (p.Pro1804Thr)

Gene: WNK2 (WNK lysine deficient protein kinase 2; plus strand). Cytogenetic location: 9q22.31.
Variant type: single nucleotide variant.
Coding change: c.5410C>A on transcript NM_006648.4 (MANE Select); coding-DNA position 5410, C replaced by A.
Protein change: p.Pro1804Thr; replaces proline 1804 with threonine.
Molecular consequence: missense variant.
Genome position (GRCh38, 1-based): chr9:93,292,875, C>A. VCF-style: chr9-93292875-C-A. GRCh37 (hg19) VCF-style: chr9-96055157-C-A.
Other names: c.5521C>A, p.Pro1841Thr (NM_001282394.3); short protein forms P1841T, P1804T.
Identifiers: ClinVar variation 3981967 (VCV003981967.1).